The following is an entry in ClinVar:

NM_020117.11(LARS1):c.126-9G>T

Gene: LARS1 (leucyl-tRNA synthetase 1; minus strand). Cytogenetic location: 5q32.
Variant type: single nucleotide variant.
Coding change: c.126-9G>T on transcript NM_020117.11 (MANE Select); 9 bases into the intron before coding-DNA position 126, G replaced by T.
Molecular consequence: intron variant.
Genome position (GRCh38, 1-based): chr5:146,172,783, C>A on the plus strand (G>T on the coding strand, the complement: LARS1 is on the minus strand). VCF-style: chr5-146172783-C-A. GRCh37 (hg19) VCF-style: chr5-145552346-C-A.
Other names: c.-37-9G>T (NM_001317965.2); c.126-9G>T (NM_016460.4, NM_001317964.2).
Identifiers: ClinVar variation 378072 (VCV000378072.11), dbSNP rs181291967, ClinGen allele CA3490025.

ClinVar aggregate classification (germline): Benign/Likely benign. Review status: criteria provided, multiple submitters, no conflicts (2 of 4 stars). 3 submissions from 3 submitters: Benign (2); Likely benign (1). Last evaluated 2026-01-24.

Allele frequency attached by ClinVar (database versions not stated): ESP Exome Variant Server 0.00215; gnomAD 0.00225; TOPMed 0.00237; 1000 Genomes Project 0.00319; 1000 Genomes Project 30x 0.00328.
gnomAD v4.1: 622 of 1,483,910 alleles (0.042%); highest among the groups gnomAD compares: African/African-American, 0.81%; 3 homozygotes.

Submissions (4):

Labcorp Genetics (formerly Invitae), Labcorp
Classification: Benign. Last evaluated: 2026-01-24. Review status: criteria provided, single submitter. Criteria: Invitae Variant Classification Sherloc (09022015). Collection method: clinical testing. Allele origin: germline.

Blueprint Genetics
Classification: Likely benign. Last evaluated: 2024-10-18. Review status: criteria provided, single submitter. Criteria: ACMG Guidelines, 2015. Collection method: clinical testing. Allele origin: germline.

GeneDx
Classification: Benign. Last evaluated: 2015-06-08. Review status: criteria provided, single submitter. Criteria: GeneDx Variant Classification (06012015). Collection method: clinical testing. Allele origin: germline. Affected: yes.
Comment: This variant is considered likely benign or benign based on one or more of the following criteria: it is a conservative change, it occurs at a poorly conserved position in the protein, it is predicted to be benign by multiple in silico algorithms, and/or has population frequency not consistent with disease.

Dr. Peter K. Rogan Lab, Western University
No classification provided (evidence only). Condition: Sarcoma. Review status: no classification provided. Collection method: in vitro. Allele origin: not applicable. Functional consequence: retained intron. Not counted in ClinVar's aggregate classification.